The following is an entry in ClinVar:

NM_001036.6(RYR3):c.7462C>T (p.Arg2488Cys)

Gene: RYR3 (ryanodine receptor 3; plus strand). Cytogenetic location: 15q14.
Variant type: single nucleotide variant.
Coding change: c.7462C>T on transcript NM_001036.6 (MANE Select); coding-DNA position 7462, C replaced by T.
Protein change: p.Arg2488Cys; replaces arginine 2488 with cysteine.
Molecular consequence: missense variant.
Genome position (GRCh38, 1-based): chr15:33,736,272, C>T. VCF-style: chr15-33736272-C-T. GRCh37 (hg19) VCF-style: chr15-34028473-C-T.
Other names: c.7462C>T, p.Arg2488Cys (NM_001243996.4); short protein forms R2488C.
Identifiers: ClinVar variation 461947 (VCV000461947.10), dbSNP rs775041835, ClinGen allele CA7459881.

ClinVar aggregate classification (germline): Uncertain significance. Review status: criteria provided, single submitter (1 of 4 stars). 2 submissions from 2 submitters: Uncertain significance (1). 1 of the submissions does not count toward it. Last evaluated 2022-07-05.

Conditions:
Epileptic encephalopathy. Identifiers: MedGen C0543888, HP:0200134.

Allele frequency attached by ClinVar (database versions not stated): gnomAD exomes 0.00003 and 0.00007; ExAC 0.00006; TOPMed 0.00001; gnomAD 0.00001 and 0.00003; 1000 Genomes Project 30x 0.00031.
gnomAD v4.1: 46 of 1,613,266 alleles (0.0029%); highest among the groups gnomAD compares: South Asian, 0.038%; no homozygotes.

Submissions (2):

Labcorp Genetics (formerly Invitae), Labcorp
Classification: Uncertain significance for Epileptic encephalopathy. Last evaluated: 2022-07-05. Review status: criteria provided, single submitter. Criteria: Invitae Variant Classification Sherloc (09022015). Collection method: clinical testing. Allele origin: germline.
Comment: In summary, the available evidence is currently insufficient to determine the role of this variant in disease. Therefore, it has been classified as a Variant of Uncertain Significance. Algorithms developed to predict the effect of missense changes on protein structure and function (SIFT, PolyPhen-2, Align-GVGD) all suggest that this variant is likely to be disruptive. ClinVar contains an entry for this variant (Variation ID: 461947). This variant has not been reported in the literature in individuals affected with RYR3-related conditions. This variant is present in population databases (rs775041835, gnomAD 0.05%). This sequence change replaces arginine, which is basic and polar, with cysteine, which is neutral and slightly polar, at codon 2488 of the RYR3 protein (p.Arg2488Cys).

Genetics and Genomic Medicine Centre, NeuroGen Healthcare, NeuroGen Healthcare
Classification: Uncertain significance. Last evaluated: 2021-08-03. Review status: no assertion criteria provided. Collection method: clinical testing. Allele origin: unknown. Affected: yes. Not counted in ClinVar's aggregate classification.